The following is an entry in ClinVar:

NM_138927.4(SON):c.3034_3105del (p.Ser1012_Ser1035del)

Gene: SON (SON DNA and RNA binding protein; plus strand). Cytogenetic location: 21q22.11.
Variant type: Deletion.
Coding change: c.3034_3105del on transcript NM_138927.4 (MANE Select); coding-DNA positions 3034 to 3105, 72 bases deleted.
Protein change: p.Ser1012_Ser1035del.
Molecular consequence: inframe deletion. On other transcripts: inframe indel (3), non-coding transcript variant (1), intron variant (1).
Genome position (GRCh38, 1-based): chr21:33,552,265-33,552,336, 72 bases deleted. GRCh37 (hg19): chr21:34,924,571-34,924,642.
Other names: c.3034_3105del, p.Ser1012_Ser1035del (NM_001291411.2, NM_032195.3); c.3034_3105del72, p.Ser1012_Ser1035del (NM_001412133.1, NM_058183.2, NM_138926.1); c.245-4891_245-4820del (NM_001291412.3).
Identifiers: ClinVar variation 2864424 (VCV002864424.3), dbSNP rs2517367683, ClinGen allele CA2739267621.

ClinVar aggregate classification (germline): Uncertain significance (1 of 4 stars; one submission).

Submission:

Labcorp Genetics (formerly Invitae), Labcorp
Classification: Uncertain significance. Last evaluated: 2023-05-15. Review status: criteria provided, single submitter. Criteria: Invitae Variant Classification Sherloc (09022015). Collection method: clinical testing. Allele origin: germline.
Comment: This variant, c.3034_3105del, results in the deletion of 24 amino acid(s) of the SON protein (p.Ser1012_Ser1035del), but otherwise preserves the integrity of the reading frame. This variant is not present in population databases (gnomAD no frequency). This variant has not been reported in the literature in individuals affected with SON-related conditions. Experimental studies and prediction algorithms are not available or were not evaluated, and the functional significance of this variant is currently unknown. In summary, the available evidence is currently insufficient to determine the role of this variant in disease. Therefore, it has been classified as a Variant of Uncertain Significance.